The following is an entry in ClinVar:

ClinVar aggregate classification (germline): Uncertain significance (1 of 4 stars; one submission).

gnomAD v4.1: 1 of 1,614,026 alleles (0.000062%); highest among the groups gnomAD compares: Non-Finnish European, 0.000085%; no homozygotes.

Submission:

GeneDx
Classification: Uncertain significance. Last evaluated: 2026-03-17. Review status: criteria provided, single submitter. Criteria: GeneDx Variant Classification Process June 2021. Collection method: clinical testing. Allele origin: germline.
Comment: Not observed at significant frequency in large population cohorts (gnomAD); In silico analysis suggests that this missense variant does not alter protein structure/function; Has not been previously published as pathogenic or benign to our knowledge

NM_001270.4(CHD1):c.3296A>G (p.Asp1099Gly)

Gene: CHD1 (chromodomain helicase DNA binding protein 1; minus strand). Cytogenetic location: 5q15.
Variant type: single nucleotide variant.
Coding change: c.3296A>G on transcript NM_001270.4 (MANE Select); coding-DNA position 3296, A replaced by G.
Protein change: p.Asp1099Gly; replaces aspartic acid 1099 with glycine.
Molecular consequence: missense variant. On other transcripts: non-coding transcript variant (2).
Genome position (GRCh38, 1-based): chr5:98,876,500, T>C on the plus strand (A>G on the coding strand, the complement: CHD1 is on the minus strand). VCF-style: chr5-98876500-T-C. GRCh37 (hg19) VCF-style: chr5-98212204-T-C.
Other names: c.3296A>G, p.Asp1099Gly (NM_001364113.3, NM_001376194.2); short protein forms D1099G.
Identifiers: ClinVar variation 5009341 (VCV005009341.1).